The following is an entry in ClinVar:

ClinVar aggregate classification (germline): Uncertain significance (1 of 4 stars; one submission).

Conditions:
Inborn genetic diseases. Identifiers: MedGen C0950123, MeSH D030342.

Submission:

Ambry Genetics
Classification: Uncertain significance for Inborn genetic diseases. Last evaluated: 2025-05-01. Review status: criteria provided, single submitter. Criteria: Ambry Variant Classification Scheme 2023. Collection method: clinical testing. Allele origin: germline.
Comment: The p.F417L variant (also known as c.1251C>A), located in coding exon 7 of the ETV6 gene, results from a C to A substitution at nucleotide position 1251. The phenylalanine at codon 417 is replaced by leucine, an amino acid with highly similar properties. This amino acid position is highly conserved in available vertebrate species. In addition, the in silico prediction for this alteration is inconclusive. Based on the available evidence, the clinical significance of this variant remains unclear.

NM_001987.5(ETV6):c.1251C>A (p.Phe417Leu)

Gene: ETV6 (ETS variant transcription factor 6; plus strand). Cytogenetic location: 12p13.2.
Variant type: single nucleotide variant.
Coding change: c.1251C>A on transcript NM_001987.5 (MANE Select); coding-DNA position 1251, C replaced by A.
Protein change: p.Phe417Leu; replaces phenylalanine 417 with leucine.
Molecular consequence: missense variant. On other transcripts: intron variant (1).
Genome position (GRCh38, 1-based): chr12:11,886,024, C>A. VCF-style: chr12-11886024-C-A. GRCh37 (hg19) VCF-style: chr12-12038958-C-A.
Other names: c.1248C>A, p.Phe416Leu (NM_001413913.1); c.1224C>A, p.Phe408Leu (NM_001413914.1); c.987C>A, p.Phe329Leu (NM_001413915.1); c.1010-4917C>A (NM_001413917.1); short protein forms F416L, F329L, F408L, F417L.
Identifiers: ClinVar variation 4020071 (VCV004020071.1).
Genomic context (GRCh38, chr12:11,886,024, plus strand): 5'-CCTGCGCCACTACTACAAACTAAACATTATCAGGAAGGAGCCAGGACAAAGGCTTTTGTT[C>A]AGGTAGCACTTCCTTTTTCTCCTTTCCTTCTTTTGGGAGGATGCTGTTTTCTTTAAATAA-3'
Protein context (NP_001978.1, residues 407-427): IRKEPGQRLL[Phe417Leu]RFMKTPDEIM